The following is an entry in ClinVar:

ClinVar aggregate classification (germline): Uncertain significance (1 of 4 stars; one submission).

Conditions:
Gastrointestinal stromal tumor. Also called: Gastrointestinal stroma tumor; Gastrointestinal stromal tumor, somatic. Identifiers: Orphanet 44890, MedGen C0238198, MeSH D046152, MONDO:0011719, OMIM 606764, HP:0100723.

Submission:

Labcorp Genetics (formerly Invitae), Labcorp
Classification: Uncertain significance for Gastrointestinal stromal tumor. Last evaluated: 2022-03-04. Review status: criteria provided, single submitter. Criteria: Invitae Variant Classification Sherloc (09022015). Collection method: clinical testing. Allele origin: germline.
Comment: In summary, the available evidence is currently insufficient to determine the role of this variant in disease. Therefore, it has been classified as a Variant of Uncertain Significance. Algorithms developed to predict the effect of sequence changes on RNA splicing suggest that this variant may disrupt the consensus splice site. Algorithms developed to predict the effect of missense changes on protein structure and function (SIFT, PolyPhen-2, Align-GVGD) all suggest that this variant is likely to be disruptive. This variant has not been reported in the literature in individuals affected with KIT-related conditions. This variant is not present in population databases (gnomAD no frequency). This sequence change replaces glycine, which is neutral and non-polar, with valine, which is neutral and non-polar, at codon 592 of the KIT protein (p.Gly592Val).

NM_000222.3(KIT):c.1775G>T (p.Gly592Val)

Gene: KIT (KIT proto-oncogene, receptor tyrosine kinase; plus strand). Cytogenetic location: 4q12.
Variant type: single nucleotide variant.
Coding change: c.1775G>T on transcript NM_000222.3 (MANE Select); coding-DNA position 1775, G replaced by T.
Protein change: p.Gly592Val; replaces glycine 592 with valine.
Molecular consequence: missense variant.
Genome position (GRCh38, 1-based): chr4:54,727,823, G>T. VCF-style: chr4-54727823-G-T. GRCh37 (hg19) VCF-style: chr4-55593989-G-T.
Other names: c.1763G>T, p.Gly588Val (NM_001093772.2, NM_001385286.1); c.1778G>T, p.Gly593Val (NM_001385284.1, NM_001385290.1); c.1775G>T, p.Gly592Val (NM_001385285.1); c.1766G>T, p.Gly589Val (NM_001385288.1, NM_001385292.1); short protein forms G593V, G588V, G592V, G589V.
Identifiers: ClinVar variation 1480836 (VCV001480836.6), dbSNP rs2109779212, ClinGen allele CA356907805.
Genomic context (GRCh38, chr4:54,727,823, plus strand): 5'-GGTCCTTCAATTCCACCACCAGCACCATCACCACTTACCTTGTTGTCTTCCTTCCTACAG[G>T]GAAAACCCTGGGTGCTGGAGCTTTCGGGAAGGTTGTTGAGGCAACTGCTTATGGCTTAAT-3'
Protein context (NP_000213.1, residues 582-602): WEFPRNRLSF[Gly592Val]KTLGAGAFGK